The following is an entry in ClinVar:

NM_004525.3(LRP2):c.484C>T (p.Gln162Ter)

Gene: LRP2 (LDL receptor related protein 2; minus strand). Cytogenetic location: 2q31.1.
Variant type: single nucleotide variant.
Coding change: c.484C>T on transcript NM_004525.3 (MANE Select); coding-DNA position 484, C replaced by T.
Protein change: p.Gln162Ter; replaces glutamine 162 with a stop codon.
Molecular consequence: nonsense.
Genome position (GRCh38, 1-based): chr2:169,294,654, G>A on the plus strand (C>T on the coding strand, the complement: LRP2 is on the minus strand). VCF-style: chr2-169294654-G-A. GRCh37 (hg19) VCF-style: chr2-170151164-G-A.
Other names: short protein forms Q162*.
Identifiers: ClinVar variation 5013672 (VCV005013672.1).

ClinVar aggregate classification (germline): Pathogenic (1 of 4 stars; one submission).

Conditions:
Donnai-Barrow syndrome. Also called: DBS/FOAR SYNDROME; FACIOOCULOACOUSTICORENAL SYNDROME. Identifiers: Orphanet 2143, MedGen C1857277, MONDO:0009104, OMIM 222448.

Submission:

Myriad Genetics, Inc.
Classification: Pathogenic for Donnai-Barrow syndrome. Last evaluated: 2024-10-23. Review status: criteria provided, single submitter. Criteria: Myriad Autosomal Dominant, Autosomal Recessive and X-Linked Classification Criteria (2023). Collection method: clinical testing. Allele origin: unknown.
Comment: NM_004525.2(LRP2):c.484C>T(Q162*) is expected to be pathogenic in the context of Donnai-Barrow syndrome. This variant is predicted to lead to an abnormal or absent protein product due to the creation of a premature termination codon in LRP2, a gene where loss-of-function variants are known to be pathogenic. Please note: this variant was assessed in the context of healthy population screening.